The following is an entry in ClinVar:

NM_000377.3(WAS):c.1085del (p.Pro362fs)

Gene: WAS (WASP actin nucleation promoting factor; plus strand). Cytogenetic location: Xp11.23.
Variant type: Deletion.
Coding change: c.1085del on transcript NM_000377.3 (MANE Select); coding-DNA position 1085, one base deleted (C; older notation c.1085delC).
Protein change: p.Pro362fs; shifts the reading frame from proline 362.
Molecular consequence: frameshift variant.
Genome position (GRCh38, 1-based): chrX:48,688,813, C deleted; the last of 5 consecutive C bases (chrX:48,688,809-48,688,813); deleting any one gives the same sequence. VCF-style (leftmost placement, unchanged base first): chrX-48688808-AC-A. GRCh37 (hg19) VCF-style: chrX-48547197-AC-A.
Other names: short protein forms P362fs.
Identifiers: ClinVar variation 1441543 (VCV001441543.8), dbSNP rs2147266474, ClinGen allele CA2573158942.

ClinVar aggregate classification (germline): Pathogenic (1 of 4 stars; one submission).

Conditions:
X-linked severe congenital neutropenia (SCNX). Identifiers: Orphanet 86788, MedGen C1845987, MONDO:0010294, OMIM 300299.
Wiskott-Aldrich syndrome (WAS). Also called: ALDRICH SYNDROME; IMMUNODEFICIENCY 2; Wiskott-aldrich syndrome, somatic; WISKOTT-ALDRICH SYNDROME 1. Identifiers: Orphanet 906, MedGen C0043194, MONDO:0010518, OMIM 301000.
Thrombocytopenia 1. Also called: THROMBOCYTOPENIA, X-LINKED, 1; X-linked thrombocytopenia with normal platelets; X-Linked Thrombocytopenia (XLT). Identifiers: Orphanet 268322, Orphanet 852, MedGen C1839163, MONDO:0010743, OMIM 313900.

Submission:

Labcorp Genetics (formerly Invitae), Labcorp
Classification: Pathogenic for Wiskott-Aldrich syndrome; X-linked severe congenital neutropenia; Thrombocytopenia 1. Last evaluated: 2023-08-04. Review status: criteria provided, single submitter. Criteria: Invitae Variant Classification Sherloc (09022015). Collection method: clinical testing. Allele origin: germline.
Comment: This sequence change creates a premature translational stop signal (p.Pro362Glnfs*83) in the WAS gene. It is expected to result in an absent or disrupted protein product. Loss-of-function variants in WAS are known to be pathogenic (PMID: 15284122). This variant is not present in population databases (gnomAD no frequency). This premature translational stop signal has been observed in individual(s) with Wiskott-Aldrich syndrome (PMID: 8595430, 22426750). This variant is also known as c.1119del. ClinVar contains an entry for this variant (Variation ID: 1441543). For these reasons, this variant has been classified as Pathogenic.

Literature cited by the submitters: PubMed 15284122; PubMed 8595430; PubMed 22426750.